The following is an entry in ClinVar:

NM_020686.6(ABAT):c.531G>A (p.Met177Ile)

Gene: ABAT (4-aminobutyrate aminotransferase; plus strand). Cytogenetic location: 16p13.2.
Variant type: single nucleotide variant.
Coding change: c.531G>A on transcript NM_020686.6 (MANE Select); coding-DNA position 531, G replaced by A.
Protein change: p.Met177Ile; replaces methionine 177 with isoleucine.
Molecular consequence: missense variant. On other transcripts: intron variant (1).
Genome position (GRCh38, 1-based): chr16:8,764,821, G>A. VCF-style: chr16-8764821-G-A. GRCh37 (hg19) VCF-style: chr16-8858678-G-A.
Other names: c.531G>A, p.Met177Ile (NM_000663.5, NM_001127448.2, NM_001386600.1 and 9 more transcripts); c.396G>A, p.Met132Ile (NM_001386610.1, NM_001386611.1, NM_001386612.1 and 1 more transcripts); c.285G>A, p.Met95Ile (NM_001386614.1); c.627G>A, p.Met209Ile (NM_001386615.1); c.447+672G>A (NM_001386608.1); short protein forms M209I, M95I, M132I, M177I.
Identifiers: ClinVar variation 2091321 (VCV002091321.4), dbSNP rs779411867, ClinGen allele CA394688494.
Genomic context (GRCh38, chr16:8,764,821, plus strand): 5'-GCTCATCACCATGGCCTGCGGCTCCTGCTCCAATGAAAACGCCTTAAAGACCATCTTCAT[G>A]TGGTACCGGGTGAGGTTTGGGGCACACACACACACACACACACAGGCTCCCCAGCACCCA-3'
Protein context (NP_065737.2, residues 167-187): SNENALKTIF[Met177Ile]WYRSKERGQR

ClinVar aggregate classification (germline): Uncertain significance (1 of 4 stars; one submission).

Conditions:
Gamma-aminobutyric acid transaminase deficiency (GABATD). Also called: GABA transaminase deficiency; Gamma aminobutyrate transaminase deficiency; 4 alpha aminobutyrate transaminase deficiency; GABA aminotransaminase deficiency. Identifiers: Orphanet 2066, MedGen C0342708, MONDO:0013166, OMIM 613163.

Submission:

Labcorp Genetics (formerly Invitae), Labcorp
Classification: Uncertain significance for Gamma-aminobutyric acid transaminase deficiency. Last evaluated: 2023-08-10. Review status: criteria provided, single submitter. Criteria: Invitae Variant Classification Sherloc (09022015). Collection method: clinical testing. Allele origin: germline.
Comment: This variant has not been reported in the literature in individuals affected with ABAT-related conditions. ClinVar contains an entry for this variant (Variation ID: 2091321). Advanced modeling of protein sequence and biophysical properties (such as structural, functional, and spatial information, amino acid conservation, physicochemical variation, residue mobility, and thermodynamic stability) performed at Invitae indicates that this missense variant is not expected to disrupt ABAT protein function. Algorithms developed to predict the effect of sequence changes on RNA splicing suggest that this variant may create or strengthen a splice site. In summary, the available evidence is currently insufficient to determine the role of this variant in disease. Therefore, it has been classified as a Variant of Uncertain Significance. This variant is not present in population databases (gnomAD no frequency). This sequence change replaces methionine, which is neutral and non-polar, with isoleucine, which is neutral and non-polar, at codon 177 of the ABAT protein (p.Met177Ile).